The following is an entry in ClinVar:

ClinVar aggregate classification (germline): Conflicting classifications of pathogenicity. Review status: criteria provided, conflicting classifications (1 of 4 stars). 5 submissions from 5 submitters: Uncertain significance (1); Likely benign (4). Last evaluated 2026-06-28.

Conditions:
ABCA4-related disorder. Also called: ABCA4-related condition; ABCA4-related disorders. Identifiers: MedGen CN239167.

Allele frequency attached by ClinVar (database versions not stated): gnomAD 0.00002; gnomAD exomes 0.00003; TOPMed 0.00003; ExAC 0.00004.
gnomAD v4.1: 30 of 1,608,862 alleles (0.0019%); highest among the groups gnomAD compares: East Asian, 0.013%; no homozygotes.

Submissions (5):

PreventionGenetics, part of Exact Sciences
Classification: Likely benign for ABCA4-related condition. Last evaluated: 2026-06-28. Review status: criteria provided, single submitter. Criteria: ACMG Guidelines, 2015. Collection method: clinical testing. Allele origin: germline.
Comment: This variant is classified as likely benign based on ACMG/AMP sequence variant interpretation guidelines (Richards et al. 2015 PMID: 25741868, with internal and published modifications).

Women's Health and Genetics/Laboratory Corporation of America, LabCorp
Classification: Likely benign. Last evaluated: 2025-05-23. Review status: criteria provided, single submitter. Criteria: LabCorp Variant Classification Summary - May 2015. Collection method: clinical testing. Allele origin: germline.

Blueprint Genetics
Classification: Likely benign. Last evaluated: 2024-06-03. Review status: criteria provided, single submitter. Criteria: ACMG Guidelines, 2015. Collection method: clinical testing. Allele origin: germline.

Labcorp Genetics (formerly Invitae), Labcorp
Classification: Likely benign. Last evaluated: 2024-03-18. Review status: criteria provided, single submitter. Criteria: Invitae Variant Classification Sherloc (09022015). Collection method: clinical testing. Allele origin: germline.

Illumina Laboratory Services, Illumina
Classification: Uncertain significance for ABCA4-Related Disorders. Last evaluated: 2017-04-27. Review status: criteria provided, single submitter. Criteria: ICSL Variant Classification Criteria 13 December 2019. Collection method: clinical testing. Allele origin: germline.

NM_000350.3(ABCA4):c.3540G>A (p.Ser1180=)

Gene: ABCA4 (ATP binding cassette subfamily A member 4; minus strand). Cytogenetic location: 1p22.1.
Variant type: single nucleotide variant.
Coding change: c.3540G>A on transcript NM_000350.3 (MANE Select); coding-DNA position 3540, G replaced by A.
Protein change: p.Ser1180=; no amino-acid change (serine 1180 retained).
Molecular consequence: synonymous variant.
Genome position (GRCh38, 1-based): chr1:94,040,110, C>T on the plus strand (G>A on the coding strand, the complement: ABCA4 is on the minus strand). VCF-style: chr1-94040110-C-T. GRCh37 (hg19) VCF-style: chr1-94505666-C-T.
Other names: c.3318G>A, p.Ser1106= (NM_001425324.1).
Identifiers: ClinVar variation 873899 (VCV000873899.15), dbSNP rs767212006, ClinGen allele CA957899.